The following is an entry in ClinVar:

ClinVar aggregate classification (germline): Conflicting classifications of pathogenicity. Review status: criteria provided, conflicting classifications (1 of 4 stars). 7 submissions from 7 submitters: Uncertain significance (5); Likely benign (2). Last evaluated 2025-01-10.

Conditions:
Marfan syndrome (MFS). Also called: FBN1-Related Marfan Syndrome; Marfan syndrome, classic; Marfan syndrome type 1; Marfan's syndrome; MARFAN SYNDROME, TYPE I. Identifiers: Orphanet 284963, Orphanet 558, MedGen C0024796, MONDO:0007947, OMIM 154700.
Familial thoracic aortic aneurysm and aortic dissection (TAAD). Also called: Thoracic aortic aneurysms and dissections. Identifiers: Orphanet 91387, MedGen C4707243, MONDO:0019625.

Allele frequency attached by ClinVar (database versions not stated): gnomAD 0.00001; ExAC 0.00002; gnomAD exomes 0.00002; TOPMed 0.00002.
gnomAD v4.1: 33 of 1,611,120 alleles (0.002%); highest among the groups gnomAD compares: East Asian, 0.0089%; no homozygotes.

Submissions (7):

Ambry Genetics
Classification: Likely benign for Familial thoracic aortic aneurysm and aortic dissection. Last evaluated: 2025-01-10. Review status: criteria provided, single submitter. Criteria: Ambry Variant Classification Scheme 2023. Collection method: clinical testing. Allele origin: germline.

CeGaT Center for Human Genetics Tuebingen
Classification: Uncertain significance. Last evaluated: 2024-10-01. Review status: criteria provided, single submitter. Criteria: CeGaT Center For Human Genetics Tuebingen Variant Classification Criteria Version 2. Collection method: clinical testing. Allele origin: germline. Affected: yes. Observed: 1 variant allele.
Comment: FBN1: PM2:Supporting, BP4

All of Us Research Program, National Institutes of Health
Classification: Uncertain significance for Marfan syndrome. Last evaluated: 2024-08-13. Review status: criteria provided, single submitter. Criteria: ACMG Guidelines, 2015. Collection method: clinical testing. Allele origin: germline. Inheritance: Autosomal dominant inheritance. Observed: 5 variant alleles, 5 heterozygotes.
Comment: This missense variant replaces aspartic acid with asparagine at codon 2411 of the FBN1 protein. Computational prediction suggests that this variant may not impact protein structure and function (internally defined REVEL score threshold <= 0.5, PMID: 27666373). To our knowledge, functional studies have not been reported for this variant. This variant has been observed in an individual affected with aortic disease or Marfan syndrome (PMID: 27611364). This study has reported that this variant did not segregate with disease in the proband's family but details were not described. This variant has been identified in 4/251172 chromosomes in the general population by the Genome Aggregation Database (gnomAD). The available evidence is insufficient to determine the role of this variant in disease conclusively. Therefore, this variant is classified as a Variant of Uncertain Significance.

This study involves interpretation of variants in research participants for the purpose of population health screening. Participant phenotype was not available at the time of variant classification. Additional details can be found in publication PMID: 35346344, PMCID: PMC8962531

Color Diagnostics, LLC DBA Color Health
Classification: Uncertain significance for Familial thoracic aortic aneurysm and aortic dissection. Last evaluated: 2024-07-24. Review status: criteria provided, single submitter. Criteria: ACMG Guidelines, 2015. Collection method: clinical testing. Allele origin: germline.
Comment: This missense variant replaces aspartic acid with asparagine at codon 2411 of the FBN1 protein. Computational prediction suggests that this variant may not impact protein structure and function. To our knowledge, functional studies have not been reported for this variant. This variant has been observed in an individual affected with aortic disease or Marfan syndrome (PMID: 27611364). This study has reported that this variant did not segregate with disease in the proband's family but details were not described. This variant has been identified in 4/251172 chromosomes in the general population by the Genome Aggregation Database (gnomAD). The available evidence is insufficient to determine the role of this variant in disease conclusively. Therefore, this variant is classified as a Variant of Uncertain Significance.

Labcorp Genetics (formerly Invitae), Labcorp
Classification: Likely benign for Marfan syndrome; Familial thoracic aortic aneurysm and aortic dissection. Last evaluated: 2024-06-30. Review status: criteria provided, single submitter. Criteria: Invitae Variant Classification Sherloc (09022015). Collection method: clinical testing. Allele origin: germline.

Women's Health and Genetics/Laboratory Corporation of America, LabCorp
Classification: Uncertain significance. Last evaluated: 2022-12-27. Review status: criteria provided, single submitter. Criteria: LabCorp Variant Classification Summary - May 2015. Collection method: clinical testing. Allele origin: germline.
Comment: Variant summary: FBN1 c.7231G>A (p.Asp2411Asn) results in a conservative amino acid change located in the EGF-like calcium-binding domain (IPR001881) of the encoded protein sequence. Four of five in-silico tools predict a benign effect of the variant on protein function. The variant allele was found at a frequency of 1.6e-05 in 251172 control chromosomes (gnomAD). The available data on variant occurrences in the general population are insufficient to allow any conclusion about variant significance. c.7231G>A has been reported in the literature in at-least one individual from an aortopathy cohort, however, the authors reclassified this variant from VUS to benign based on family segregation data (Yang_2016). This report does not provide unequivocal conclusions about association of the variant with Marfan Syndrome. To our knowledge, no experimental evidence demonstrating an impact on protein function has been reported. One clinical diagnostic laboratory has submitted clinical-significance assessments for this variant to ClinVar after 2014 and classified the variant as uncertain significance. Based on the evidence outlined above, the variant was classified as uncertain significance.

CHEO Genetics Diagnostic Laboratory, Children's Hospital of Eastern Ontario
Classification: Uncertain significance for Familial thoracic aortic aneurysm and aortic dissection. Last evaluated: 2022-03-22. Review status: criteria provided, single submitter. Criteria: ACMG Guidelines, 2015. Collection method: clinical testing. Allele origin: germline.

Literature cited by the submitters: PubMed 27611364 (cited by 4 submitters); PubMed 29192238 (cited by Ambry Genetics).

NM_000138.5(FBN1):c.7231G>A (p.Asp2411Asn)

Gene: FBN1 (fibrillin 1; minus strand). Cytogenetic location: 15q21.1.
Variant type: single nucleotide variant.
Coding change: c.7231G>A on transcript NM_000138.5 (MANE Select); coding-DNA position 7231, G replaced by A.
Protein change: p.Asp2411Asn; replaces aspartic acid 2411 with asparagine.
Molecular consequence: missense variant.
Genome position (GRCh38, 1-based): chr15:48,425,838, C>T on the plus strand (G>A on the coding strand, the complement: FBN1 is on the minus strand). VCF-style: chr15-48425838-C-T. GRCh37 (hg19) VCF-style: chr15-48718035-C-T.
Other names: short protein forms D2411N.
Identifiers: ClinVar variation 1502613 (VCV001502613.30), dbSNP rs775558051, ClinGen allele CA058149.